The following is an entry in ClinVar:

NM_024757.5(EHMT1):c.592G>T (p.Val198Phe)

Gene: EHMT1 (euchromatic histone lysine methyltransferase 1; plus strand). Cytogenetic location: 9q34.3.
Variant type: single nucleotide variant.
Coding change: c.592G>T on transcript NM_024757.5 (MANE Select); coding-DNA position 592, G replaced by T.
Protein change: p.Val198Phe; replaces valine 198 with phenylalanine.
Molecular consequence: missense variant.
Genome position (GRCh38, 1-based): chr9:137,717,132, G>T. VCF-style: chr9-137717132-G-T. GRCh37 (hg19) VCF-style: chr9-140611584-G-T.
Other names: c.592G>T, p.Val198Phe (NM_001145527.2, NM_001354263.2, NM_001354611.2); c.499G>T, p.Val167Phe (NM_001354259.2, NM_001354612.2); short protein forms V167F, V198F.
Identifiers: ClinVar variation 1015599 (VCV001015599.10), dbSNP rs761554206, ClinGen allele CA375766223.
Genomic context (GRCh38, chr9:137,717,132, plus strand): 5'-ACCCTTGGGGAGGGGAGTGCTGACACAGAGGACAGGAAGCTCCCGGCCCCTGGCGCCGAC[G>T]TCAAGGTCCACAGGGCACGCAAGACCATGCCGAAGTCCGTCGTGGGCCTGGTAATTTTGT-3'
Protein context (NP_079033.4, residues 188-208): DRKLPAPGAD[Val198Phe]KVHRARKTMP

ClinVar aggregate classification (germline): Uncertain significance. Review status: criteria provided, multiple submitters, no conflicts (2 of 4 stars). 2 submissions from 2 submitters: Uncertain significance (2). Last evaluated 2026-01-11.

Conditions:
Kleefstra syndrome 1 (KLEFS1). Identifiers: Orphanet 261494, MedGen C0795833, MONDO:0027407, OMIM 610253.

Submissions (2):

Labcorp Genetics (formerly Invitae), Labcorp
Classification: Uncertain significance for Kleefstra syndrome 1. Last evaluated: 2026-01-11. Review status: criteria provided, single submitter. Criteria: Invitae Variant Classification Sherloc (09022015). Collection method: clinical testing. Allele origin: germline.
Comment: This sequence change replaces valine, which is neutral and non-polar, with phenylalanine, which is neutral and non-polar, at codon 198 of the EHMT1 protein (p.Val198Phe). This variant is not present in population databases (gnomAD no frequency). This variant has not been reported in the literature in individuals affected with EHMT1-related conditions. ClinVar contains an entry for this variant (Variation ID: 1015599). Invitae Evidence Modeling of protein sequence and biophysical properties (such as structural, functional, and spatial information, amino acid conservation, physicochemical variation, residue mobility, and thermodynamic stability) indicates that this missense variant is not expected to disrupt EHMT1 protein function with a negative predictive value of 80%. In summary, the available evidence is currently insufficient to determine the role of this variant in disease. Therefore, it has been classified as a Variant of Uncertain Significance.

Neuberg Centre For Genomic Medicine, NCGM
Classification: Uncertain significance for Kleefstra syndrome 1. Review status: criteria provided, single submitter. Criteria: ACMG Guidelines, 2015. Collection method: clinical testing. Allele origin: germline. Inheritance: Autosomal dominant inheritance. Affected: yes.
Comment: The observed missense c.592G>T(p.Val198Phe) variant in EHMT1 gene has not been reported previously as a pathogenic variant nor a benign variant, to our knowledge. The p.Val198Phe variant is absent in gnomAD Exomes. This variant has been submitted to the ClinVar database as Uncertain Significance. The amino acid change p.Val198Phe in EHMT1 is predicted as conserved by GERP++ and PhyloP across 100 vertebrates. The amino acid Val at position 198 is changed to a Phe changing protein sequence and it might alter its composition and physico-chemical properties. Multiple lines of computational evidence (Polyphen - Damaging, SIFT - Damaging and MutationTaster - Disease causing) predict a damaging effect on protein structure and function for this variant. For these reasons, this variant has been classified as a Variant of Uncertain Significance (VUS).